The following is an entry in ClinVar:

NM_182476.3(COQ6):c.1091T>C (p.Ile364Thr)

Genes: COQ6 (coenzyme Q6, monooxygenase; plus strand), ENTPD5 (ectonucleoside triphosphate diphosphohydrolase 5; minus strand). Cytogenetic location: 14q24.3.
Variant type: single nucleotide variant.
Coding change: c.1091T>C on transcript NM_182476.3 (MANE Select); coding-DNA position 1091, T replaced by C.
Protein change: p.Ile364Thr; replaces isoleucine 364 with threonine.
Molecular consequence: missense variant. On other transcripts: 3 prime UTR variant (1), intron variant (5).
Genome position (GRCh38, 1-based): chr14:73,961,372, T>C. VCF-style: chr14-73961372-T-C. GRCh37 (hg19) VCF-style: chr14-74428075-T-C.
Other names: c.1091T>C, p.Ile364Thr (NM_001425255.1); c.983T>C, p.Ile328Thr (NM_001425256.1); c.926T>C, p.Ile309Thr (NM_001425257.1); c.908T>C, p.Ile303Thr (NM_001425258.1); c.866T>C, p.Ile289Thr (NM_001425259.1, NM_001425260.1, NM_001425261.1); c.836T>C, p.Ile279Thr (NM_001425262.1); c.764T>C, p.Ile255Thr (NM_001425263.1); c.551T>C, p.Ile184Thr (NM_001425264.1, NM_001425265.1); and 5 more; short protein forms I339T, I364T.
Identifiers: ClinVar variation 2418583 (VCV002418583.44), dbSNP rs747211443, ClinGen allele CA7264431.

ClinVar aggregate classification (germline): Uncertain significance. Review status: criteria provided, multiple submitters, no conflicts (2 of 4 stars). 3 submissions from 3 submitters: Uncertain significance (3). Last evaluated 2024-02-16.

Conditions:
Familial steroid-resistant nephrotic syndrome with sensorineural deafness. Identifiers: Orphanet 280406, MedGen C3553349, MONDO:0013836, OMIM 614650.

Allele frequency attached by ClinVar (database versions not stated): gnomAD 0.00001; ExAC 0.00002; TOPMed 0.00004; gnomAD exomes 0.00001.
gnomAD v4.1: 23 of 1,614,080 alleles (0.0014%); highest among the groups gnomAD compares: East Asian, 0.0022%; no homozygotes.

Submissions (3):

3billion
Classification: Uncertain significance for Familial steroid-resistant nephrotic syndrome with sensorineural deafness. Last evaluated: 2024-02-16. Review status: criteria provided, single submitter. Criteria: ACMG Guidelines, 2015. Collection method: clinical testing. Allele origin: germline. Affected: yes.
Comment: The variant is observed at an extremely low frequency in the gnomAD v2.1.1 dataset (total allele frequency: 0.001%). Predicted Consequence/Location: Missense variant In silico tool predictions suggest damaging effect of the variant on gene or gene product [REVEL: 0.83 (>=0.6, sensitivity 0.68 and specificity 0.92)]. Therefore, this variant is classified as VUS according to the recommendation of ACMG/AMP guideline.

Fulgent Genetics
Classification: Uncertain significance for Familial steroid-resistant nephrotic syndrome with sensorineural deafness. Last evaluated: 2024-02-09. Review status: criteria provided, single submitter. Criteria: ACMG Guidelines, 2015. Collection method: clinical testing. Allele origin: germline.

Labcorp Genetics (formerly Invitae), Labcorp
Classification: Uncertain significance. Last evaluated: 2023-04-05. Review status: criteria provided, single submitter. Criteria: Invitae Variant Classification Sherloc (09022015). Collection method: clinical testing. Allele origin: germline.
Comment: In summary, the available evidence is currently insufficient to determine the role of this variant in disease. Therefore, it has been classified as a Variant of Uncertain Significance. Advanced modeling of protein sequence and biophysical properties (such as structural, functional, and spatial information, amino acid conservation, physicochemical variation, residue mobility, and thermodynamic stability) performed at Invitae indicates that this missense variant is expected to disrupt COQ6 protein function. ClinVar contains an entry for this variant (Variation ID: 2418583). This variant has not been reported in the literature in individuals affected with COQ6-related conditions. This variant is present in population databases (rs747211443, gnomAD 0.005%). This sequence change replaces isoleucine, which is neutral and non-polar, with threonine, which is neutral and polar, at codon 364 of the COQ6 protein (p.Ile364Thr).